The following is an entry in ClinVar:

ClinVar aggregate classification (germline): Benign/Likely benign. Review status: criteria provided, multiple submitters, no conflicts (2 of 4 stars). 3 submissions from 3 submitters: Benign (1); Likely benign (1). 1 of the submissions does not count toward it. Last evaluated 2024-09-16.

Conditions:
DNAJC13-related disorder. Also called: DNAJC13-related condition.

Allele frequency attached by ClinVar (database versions not stated): gnomAD exomes 0.00048 and 0.00128; ExAC 0.00161; ESP Exome Variant Server 0.00408; gnomAD 0.00446 and 0.00473; TOPMed 0.00471; 1000 Genomes Project 0.00679; 1000 Genomes Project 30x 0.00703.
gnomAD v4.1: 1,411 of 1,612,094 alleles (0.088%); highest among the groups gnomAD compares: African/African-American, 1.5%; 10 homozygotes.

Submissions (3):

Blueprint Genetics
Classification: Likely benign. Last evaluated: 2024-09-16. Review status: criteria provided, single submitter. Criteria: ACMG Guidelines, 2015. Collection method: clinical testing. Allele origin: germline.

Labcorp Genetics (formerly Invitae), Labcorp
Classification: Benign. Last evaluated: 2019-12-31. Review status: criteria provided, single submitter. Criteria: Invitae Variant Classification Sherloc (09022015). Collection method: clinical testing. Allele origin: germline.

PreventionGenetics, part of Exact Sciences
Classification: Benign for DNAJC13-related condition. Last evaluated: 2019-10-28. Review status: no assertion criteria provided. Collection method: clinical testing. Allele origin: germline. Not counted in ClinVar's aggregate classification.
Comment: This variant is classified as benign based on ACMG/AMP sequence variant interpretation guidelines (Richards et al. 2015 PMID: 25741868, with internal and published modifications).

NM_015268.4(DNAJC13):c.4546C>T (p.Arg1516Cys)

Gene: DNAJC13 (DnaJ heat shock protein family (Hsp40) member C13; plus strand). Cytogenetic location: 3q22.1.
Variant type: single nucleotide variant.
Coding change: c.4546C>T on transcript NM_015268.4 (MANE Select); coding-DNA position 4546, C replaced by T.
Protein change: p.Arg1516Cys; replaces arginine 1516 with cysteine.
Molecular consequence: missense variant.
Genome position (GRCh38, 1-based): chr3:132,502,298, C>T. VCF-style: chr3-132502298-C-T. GRCh37 (hg19) VCF-style: chr3-132221142-C-T.
Other names: c.4561C>T, p.Arg1521Cys (NM_001329126.2); short protein forms R1516C, R1521C.
Identifiers: ClinVar variation 785063 (VCV000785063.7), dbSNP rs79734612, ClinGen allele CA2619598.